The following is an entry in ClinVar:

ClinVar aggregate classification (germline): Conflicting classifications of pathogenicity. Review status: criteria provided, conflicting classifications (1 of 4 stars). 17 submissions from 17 submitters: Uncertain significance (3); Benign (2); Likely benign (7). 5 of the submissions do not count toward it. Last evaluated 2026-02-03.

Conditions:
Cardiovascular phenotype. Identifiers: MedGen CN230736.
Hypertrophic cardiomyopathy 15. Identifiers: MedGen C2750459, MONDO:0013200, OMIM 613255.
Dilated cardiomyopathy 1W (CMD1W). Identifiers: Orphanet 154, MedGen C1969639, MONDO:0012667, OMIM 611407.
Primary dilated cardiomyopathy (DCM). Also called: Dilated Cardiomyopathy. Identifiers: Orphanet 217604, MedGen C0007193, MeSH D002311, MONDO:0005021, HP:0001644. Inheritance: Various modes of inheritance.
Dilated cardiomyopathy with left ventricular noncompaction. Identifiers: MedGen C1853863, MeSH C565277.

Submissions (17):

Labcorp Genetics (formerly Invitae), Labcorp
Classification: Benign for Dilated cardiomyopathy 1W. Last evaluated: 2026-02-03. Review status: criteria provided, single submitter. Criteria: Invitae Variant Classification Sherloc (09022015). Collection method: clinical testing. Allele origin: germline.

ARUP Laboratories, Molecular Genetics and Genomics, ARUP Laboratories
Classification: Likely benign. Last evaluated: 2025-05-20. Review status: criteria provided, single submitter. Criteria: ARUP Molecular Germline Variant Investigation Process 2024. Collection method: clinical testing. Allele origin: germline.

Molecular Diagnostic Laboratory for Inherited Cardiovascular Disease, Montreal Heart Institute
Classification: Likely benign. Last evaluated: 2025-04-09. Review status: criteria provided, single submitter. Criteria: ACMG Guidelines, 2015. Collection method: clinical testing. Allele origin: germline. Affected: no.

Mendelics
Classification: Benign for Dilated cardiomyopathy 1W. Last evaluated: 2023-08-22. Review status: criteria provided, single submitter. Criteria: Mendelics Assertion Criteria 2019. Collection method: clinical testing. Allele origin: germline.

Revvity Omics, Revvity
Classification: Uncertain significance. Last evaluated: 2022-12-14. Review status: criteria provided, single submitter. Criteria: ACMG Guidelines, 2015. Collection method: clinical testing. Allele origin: germline.

GeneDx
Classification: Likely benign. Last evaluated: 2021-06-22. Review status: criteria provided, single submitter. Criteria: GeneDx Variant Classification Process June 2021. Collection method: clinical testing. Allele origin: germline. Affected: yes.
Comment: This variant is associated with the following publications: (PMID: 24062880, 11815424, 27532257, 24503780, 23861362, 16236538)

Ambry Genetics
Classification: Likely benign for Cardiovascular phenotype. Last evaluated: 2018-10-18. Review status: criteria provided, single submitter. Criteria: Ambry Variant Classification Scheme 2023. Collection method: clinical testing. Allele origin: germline.

Women's Health and Genetics/Laboratory Corporation of America, LabCorp
Classification: Likely benign. Last evaluated: 2018-05-30. Review status: criteria provided, single submitter. Criteria: LabCorp Variant Classification Summary - May 2015. Collection method: clinical testing. Allele origin: germline.
Comment: Variant summary: VCL c.2862_2864delGTT (p.Leu955del) results in an in-frame deletion that is predicted to remove one amino acid from the encoded protein. The variant allele was found at a frequency of 0.0004 in 278208 control chromosomes, predominantly at a frequency of 0.0045 within the African subpopulation in the gnomAD database, including 1 homozygotes. The observed variant frequency within African control individuals in the gnomAD database is approximately 180-folds higher than the estimated maximal expected allele frequency for a pathogenic variant in VCL causing Cardiomyopathy phenotype (2.5e-05), strongly suggesting that the variant is a benign polymorphism found primarily in populations of African origin. The variant, c.2862_2864delGTT, has been reported in the literature in individuals affected with Cardiomyopathy (Ng_2013, Olson_2002, Walsh_2017, Pugh_DSC2_GIM_2014). These reports do not provide unequivocal conclusions about association of the variant with Cardiomyopathy. At least one publication reports experimental evidence evaluating an impact on protein function, however, does not allow convincing conclusions about the variant effect (Olson_2002). Six clinical diagnostic laboratories have submitted clinical-significance assessments for this variant to ClinVar after 2014 without evidence for independent evaluation (likely benign x4, VUS x1, benign x1). Based on the evidence outlined above, the variant was classified as likely benign.

Biesecker Lab/Clinical Genomics Section, National Institutes of Health
Classification: Likely benign for Primary dilated cardiomyopathy. Last evaluated: 2018-04-05. Review status: criteria provided, single submitter. Criteria: ACMG Guidelines, 2015. Collection method: research. Allele origin: unknown. Affected: no. Observed: 1 variant allele.
Comment: The study set was not selected for affection status in relation to arrhythmia or cardiomyopathy. Pathogenicity categories were based on literature curation. See Pubmed ID:25741868 for details.

Medical sequencing

Eurofins Ntd Llc (ga)
Classification: Uncertain significance. Last evaluated: 2017-02-09. Review status: criteria provided, single submitter. Criteria: EGL Classification Definitions 2015. Collection method: clinical testing. Allele origin: germline. Observed: 1 variant allele, 1 heterozygote.

Laboratory for Molecular Medicine, Mass General Brigham Personalized Medicine
Classification: Likely benign. Last evaluated: 2015-04-20. Review status: criteria provided, single submitter. Criteria: LMM Criteria. Collection method: clinical testing. Allele origin: germline. Observed: 2 variant alleles.
Comment: p.Leu955del in exon 19 of VCL: This variant is not expected to have clinical sig nificance because it has been identified in 0.5% (50/10406) of African chromosom es by the Exome Aggregation Consortium (ExAC; db SNP rs397517237).

Center for Genomics, Ann and Robert H. Lurie Children's Hospital of Chicago
Classification: Uncertain significance for Dilated cardiomyopathy 1W; Hypertrophic cardiomyopathy 15. Review status: criteria provided, single submitter. Criteria: ACMG Guidelines, 2015. Collection method: clinical testing. Allele origin: germline.
Comment: VCL NM_014000.2 exon 19 p.Leu955del (c.2862_2864del): This variant has been reported in the literature in two individuals with DCM (Olson 2002 PMID:11815424, Walsh 2017 PMID:27532257). However, this variant is also present in 0.4% (112/24974) of African alleles in the Genome Aggregation Database, including one homozygote and is present in ClinVar, with several labs classifying this variant as benign or likely benign (Variation ID:45602). Evolutionary conservation and computational predictive tools for this variant are limited or unavailable. An in vitro functional study predicted that this variant may impact the protein (Olson 2002 PMID:11815424). However, this study may not accurately represent in vivo biological function. This variant represents an in-frame deletion of one amino acid at position 955 and is not predicted to alter the reading frame. However, the effect of this variant on the protein is unclear. In summary, data on this variant is insufficient for disease classification. Therefore, the clinical significance of this variant is uncertain.

Clinical Molecular Genetics Laboratory, Johns Hopkins All Children's Hospital
Classification: Uncertain significance for Dilated cardiomyopathy with left ventricular noncompaction. Last evaluated: 2015-10-01. Review status: no assertion criteria provided. Collection method: clinical testing. Allele origin: germline. Affected: yes. Not counted in ClinVar's aggregate classification.

OMIM
Classification: Pathogenic for CARDIOMYOPATHY, DILATED, 1W. Last evaluated: 2002-01-29. Review status: no assertion criteria provided. Collection method: literature only. Allele origin: germline. Not counted in ClinVar's aggregate classification.

Clinical Genetics DNA and cytogenetics Diagnostics Lab, Erasmus MC, Erasmus Medical Center
Classification: Likely benign. Review status: no assertion criteria provided. Collection method: clinical testing. Allele origin: germline. Affected: yes. Study: VKGL Data-share Consensus. Not counted in ClinVar's aggregate classification.

Clinical Genetics, Academic Medical Center
Classification: Benign. Review status: no assertion criteria provided. Collection method: clinical testing. Allele origin: germline. Affected: yes. Study: VKGL Data-share Consensus. Not counted in ClinVar's aggregate classification.

Department of Pathology and Laboratory Medicine, Sinai Health System
Classification: Uncertain significance. Review status: no assertion criteria provided. Collection method: clinical testing. Allele origin: unknown. Affected: yes. Study: The Canadian Open Genetics Repository (COGR). Not counted in ClinVar's aggregate classification.
Comment: The VCL p.Leu955del variant was identified in 2 of 2440 proband chromosomes (frequency: 0.00082) from individuals or families with arrhythmia, cardiomyopathy, or a family history of sudden death and was not identified in 1000 control chromosomes from healthy individuals (Olson_2002_PMID:11815424; Ng_2013_PMID:23861362). The variant was also identified in dbSNP (ID: rs397517237) and ClinVar (classified as a VUS by three submitters, likely benign by five submitters and benign by Invitae ) but was not identified in Cosmic or LOVD 3.0. The variant was identified in control databases in 115 of 282866 chromosomes (1 homozygous) at a frequency of 0.000407 increasing the likelihood this could be a low frequency benign variant (Genome Aggregation Database Feb 27, 2017). The variant was observed in the following populations: African in 112 of 24974 chromosomes (freq: 0.004485), Other in 1 of 7226 chromosomes (freq: 0.000138) and Latino in 2 of 35440 chromosomes (freq: 0.000056), while the variant was not observed in the Ashkenazi Jewish, East Asian, European (Finnish), European (non-Finnish), or South Asian populations. This variant is an in-frame deletion resulting in the removal of a leucine (leu) residue at codon 955; the impact of this alteration on VCL protein function is not known. In summary, based on the above information the clinical significance of this variant cannot be determined with certainty at this time. This variant is classified as a variant of uncertain significance.

Literature cited by the submitters: PubMed 11815424 (cited by 4 submitters); PubMed 23861362 (cited by Women's Health and Genetics/Laboratory Corporation of America, LabCorp); PubMed 27532257 (cited by Women's Health and Genetics/Laboratory Corporation of America, LabCorp); PubMed 24503780 (cited by Women's Health and Genetics/Laboratory Corporation of America, LabCorp).

NM_014000.3(VCL):c.2862_2864del (p.Leu955del)

Gene: VCL (vinculin; plus strand). Cytogenetic location: 10q22.2.
Variant type: Deletion.
Coding change: c.2862_2864del on transcript NM_014000.3 (MANE Select); coding-DNA positions 2862 to 2864, 3 bases deleted (GTT; older notation c.2862_2864delGTT).
Protein change: p.Leu955del; deletes leucine 955.
Molecular consequence: inframe deletion. On other transcripts: intron variant (1).
Genome position (GRCh38, 1-based): chr10:74,112,025-74,112,027, GTT deleted; deleting any 3 consecutive bases within chr10:74,112,024-74,112,027 gives the same sequence; the c. name uses the placement nearest the transcript's 3' end. VCF-style (leftmost placement, unchanged base first): chr10-74112023-CTGT-C. GRCh37 (hg19) VCF-style: chr10-75871781-CTGT-C.
Other names: c.2862_2864delGTT (NM_014000.2); c.2746-2159_2746-2157del (NM_003373.4); short protein forms L955del.
Identifiers: ClinVar variation 45602 (VCV000045602.46), dbSNP rs397517237, ClinGen allele CA136761.